The following is an entry in ClinVar:

NM_182914.3(SYNE2):c.14176A>G (p.Arg4726Gly)

Gene: SYNE2 (spectrin repeat containing nuclear envelope protein 2; plus strand). Cytogenetic location: 14q23.2.
Variant type: single nucleotide variant.
Coding change: c.14176A>G on transcript NM_182914.3 (MANE Select); coding-DNA position 14176, A replaced by G.
Protein change: p.Arg4726Gly; replaces arginine 4726 with glycine.
Molecular consequence: missense variant.
Genome position (GRCh38, 1-based): chr14:64,130,084, A>G. VCF-style: chr14-64130084-A-G. GRCh37 (hg19) VCF-style: chr14-64596802-A-G.
Other names: c.14176A>G, p.Arg4726Gly (NM_015180.6); short protein forms R4726G.
Identifiers: ClinVar variation 4705150 (VCV004705150.1).

ClinVar aggregate classification (germline): Uncertain significance (1 of 4 stars; one submission).

Conditions:
Emery-Dreifuss muscular dystrophy 5, autosomal dominant (EDMD5). Also called: EMERY-DREIFUSS MUSCULAR DYSTROPHY 5. Identifiers: Orphanet 261, MedGen C2751805, MONDO:0013072, OMIM 612999.

gnomAD v4.1: 5 of 1,614,008 alleles (0.00031%); highest among the groups gnomAD compares: Non-Finnish European, 0.00042%; no homozygotes.

Submission:

Labcorp Genetics (formerly Invitae), Labcorp
Classification: Uncertain significance for Emery-Dreifuss muscular dystrophy 5, autosomal dominant. Last evaluated: 2025-12-03. Review status: criteria provided, single submitter. Criteria: Invitae Variant Classification Sherloc (09022015). Collection method: clinical testing. Allele origin: germline.
Comment: This sequence change replaces arginine, which is basic and polar, with glycine, which is neutral and non-polar, at codon 4726 of the SYNE2 protein (p.Arg4726Gly). This variant is not present in population databases (gnomAD no frequency). This variant has not been reported in the literature in individuals affected with SYNE2-related conditions. An algorithm developed to predict the effect of missense changes on protein structure and function (PolyPhen-2) suggests that this variant is likely to be disruptive. In summary, the available evidence is currently insufficient to determine the role of this variant in disease. Therefore, it has been classified as a Variant of Uncertain Significance.